The following is an entry in ClinVar:

NM_000243.3(MEFV):c.1091C>T (p.Pro364Leu)

Gene: MEFV (MEFV innate immunity regulator, pyrin; minus strand). Cytogenetic location: 16p13.3.
Variant type: single nucleotide variant.
Coding change: c.1091C>T on transcript NM_000243.3 (MANE Select); coding-DNA position 1091, C replaced by T.
Protein change: p.Pro364Leu; replaces proline 364 with leucine.
Molecular consequence: missense variant.
Genome position (GRCh38, 1-based): chr16:3,249,600, G>A on the plus strand (C>T on the coding strand, the complement: MEFV is on the minus strand). VCF-style: chr16-3249600-G-A. GRCh37 (hg19) VCF-style: chr16-3299600-G-A.
Other names: c.458C>T, p.Pro153Leu (NM_001198536.2); short protein forms P364L, P153L.
Identifiers: ClinVar variation 97432 (VCV000097432.10), dbSNP rs104895214, ClinGen allele CA280373.

ClinVar aggregate classification (germline): Conflicting classifications of pathogenicity. Review status: criteria provided, conflicting classifications (1 of 4 stars). 7 submissions from 5 submitters: Uncertain significance (3); Benign (2); Likely benign (1). 1 of the submissions does not count toward it. Last evaluated 2023-02-08.

Conditions:
Familial Mediterranean fever (FMF). Also called: POLYSEROSITIS, FAMILIAL PAROXYSMAL; POLYSEROSITIS, RECURRENT; Periodic peritonitis; Benign paroxysmal peritonitis. Identifiers: Orphanet 342, MedGen C0031069, MONDO:0018088, OMIM 249100. Disease mechanism: gain of function.
Familial Mediterranean fever, autosomal dominant. Also called: FMF, AUTOSOMAL DOMINANT; Dominant Familial Mediterranean Fever. Identifiers: Orphanet 342, MedGen C1851347, MONDO:0007601, OMIM 134610.
Acute febrile neutrophilic dermatosis (AFND). Also called: Gomm Button disease; Sweet Syndrome. Identifiers: Orphanet 3243, MedGen C0085077, MONDO:0011959, OMIM 608068.
Autoinflammatory syndrome. Identifiers: Orphanet 93665, MedGen C3890737, MONDO:0019751.

Allele frequency attached by ClinVar (database versions not stated): TOPMed 0.00001; ExAC 0.00005; gnomAD 0.00001; gnomAD exomes 0.00004.
gnomAD v4.1: 42 of 1,614,006 alleles (0.0026%); highest among the groups gnomAD compares: South Asian, 0.0055%; no homozygotes.

Submissions (7):

Genome-Nilou Lab
Classification: Likely benign for Familial Mediterranean fever. Last evaluated: 2023-02-08. Review status: criteria provided, single submitter. Criteria: ACMG Guidelines, 2015. Collection method: clinical testing. Allele origin: germline.

Genome-Nilou Lab
Classification: Benign for Familial Mediterranean fever, autosomal dominant. Last evaluated: 2023-02-08. Review status: criteria provided, single submitter. Criteria: ACMG Guidelines, 2015. Collection method: clinical testing. Allele origin: germline.

Genome-Nilou Lab
Classification: Benign for Acute febrile neutrophilic dermatosis. Last evaluated: 2023-02-08. Review status: criteria provided, single submitter. Criteria: ACMG Guidelines, 2015. Collection method: clinical testing. Allele origin: germline.

Labcorp Genetics (formerly Invitae), Labcorp
Classification: Uncertain significance for Familial Mediterranean fever. Last evaluated: 2022-05-25. Review status: criteria provided, single submitter. Criteria: Invitae Variant Classification Sherloc (09022015). Collection method: clinical testing. Allele origin: germline.
Comment: This sequence change replaces proline, which is neutral and non-polar, with leucine, which is neutral and non-polar, at codon 364 of the MEFV protein (p.Pro364Leu). This variant is present in population databases (rs104895214, gnomAD 0.01%). This variant has not been reported in the literature in individuals affected with MEFV-related conditions. ClinVar contains an entry for this variant (Variation ID: 97432). Algorithms developed to predict the effect of missense changes on protein structure and function output the following: SIFT: "Tolerated"; PolyPhen-2: "Benign"; Align-GVGD: "Class C0". The leucine amino acid residue is found in multiple mammalian species, which suggests that this missense change does not adversely affect protein function. In summary, the available evidence is currently insufficient to determine the role of this variant in disease. Therefore, it has been classified as a Variant of Uncertain Significance.

Fulgent Genetics
Classification: Uncertain significance for Familial Mediterranean fever, autosomal dominant; Familial Mediterranean fever; Acute febrile neutrophilic dermatosis. Last evaluated: 2022-04-08. Review status: criteria provided, single submitter. Criteria: ACMG Guidelines, 2015. Collection method: clinical testing. Allele origin: unknown.

Genome Diagnostics Laboratory, The Hospital for Sick Children
Classification: Uncertain significance for Autoinflammatory syndrome. Last evaluated: 2018-09-01. Review status: criteria provided, single submitter. Criteria: ACMG Guidelines, 2015. Collection method: clinical testing. Allele origin: germline. Affected: yes.

Unité médicale des maladies autoinflammatoires, CHRU Montpellier
No classification provided. Condition: Familial Mediterranean fever. Review status: no classification provided. Collection method: not provided. Allele origin: unknown. Not counted in ClinVar's aggregate classification.